The following is an entry in ClinVar:

ClinVar aggregate classification (germline): Uncertain significance (1 of 4 stars; one submission).

Submission:

Labcorp Genetics (formerly Invitae), Labcorp
Classification: Uncertain significance. Last evaluated: 2024-09-11. Review status: criteria provided, single submitter. Criteria: Invitae Variant Classification Sherloc (09022015). Collection method: clinical testing. Allele origin: germline.
Comment: This sequence change replaces glycine, which is neutral and non-polar, with arginine, which is basic and polar, at codon 81 of the MESP2 protein (p.Gly81Arg). This variant is present in population databases (no rsID available, gnomAD 0.01%). This variant has not been reported in the literature in individuals affected with MESP2-related conditions. Invitae Evidence Modeling of protein sequence and biophysical properties (such as structural, functional, and spatial information, amino acid conservation, physicochemical variation, residue mobility, and thermodynamic stability) has been performed for this missense variant. However, the output from this modeling did not meet the statistical confidence thresholds required to predict the impact of this variant on MESP2 protein function. In summary, the available evidence is currently insufficient to determine the role of this variant in disease. Therefore, it has been classified as a Variant of Uncertain Significance.

NM_001039958.2(MESP2):c.241G>C (p.Gly81Arg)

Genes: MESP2 (mesoderm posterior bHLH transcription factor 2; plus strand), LOC130057891 (ATAC-STARR-seq lymphoblastoid silent region 6806; plus strand). Cytogenetic location: 15q26.1.
Variant type: single nucleotide variant.
Coding change: c.241G>C on transcript NM_001039958.2 (MANE Select); coding-DNA position 241, G replaced by C.
Protein change: p.Gly81Arg; replaces glycine 81 with arginine.
Molecular consequence: missense variant.
Genome position (GRCh38, 1-based): chr15:89,776,598, G>C. VCF-style: chr15-89776598-G-C. GRCh37 (hg19) VCF-style: chr15-90319829-G-C.
Other names: short protein forms G81R.
Identifiers: ClinVar variation 3626639 (VCV003626639.1).